The following is an entry in ClinVar:

NM_014244.5(ADAMTS2):c.2880T>C (p.Asn960=)

Gene: ADAMTS2 (ADAM metallopeptidase with thrombospondin type 1 motif 2; minus strand). Cytogenetic location: 5q35.3.
Variant type: single nucleotide variant.
Coding change: c.2880T>C on transcript NM_014244.5 (MANE Select); coding-DNA position 2880, T replaced by C.
Protein change: p.Asn960=; no amino-acid change (asparagine 960 retained).
Molecular consequence: synonymous variant.
Genome position (GRCh38, 1-based): chr5:179,125,051, A>G on the plus strand (T>C on the coding strand, the complement: ADAMTS2 is on the minus strand). VCF-style: chr5-179125051-A-G. GRCh37 (hg19) VCF-style: chr5-178552052-A-G.
Identifiers: ClinVar variation 516933 (VCV000516933.10), dbSNP rs1350390171, ClinGen allele CA448028074.

ClinVar aggregate classification (germline): Likely benign. Review status: criteria provided, multiple submitters, no conflicts (2 of 4 stars). 2 submissions from 2 submitters: Likely benign (2). Last evaluated 2025-02-27.

Conditions:
Ehlers-Danlos syndrome, dermatosparaxis type. Also called: EDS VIIC; Ehlers-Danlos syndrome, type VII, autosomal recessive; Dermatosparaxis. Identifiers: Orphanet 1901, MedGen C2700425, MONDO:0009161, OMIM 225410.

Allele frequency attached by ClinVar (database versions not stated): gnomAD exomes below 0.00001 and 0.00002; gnomAD 0.00001; TOPMed 0.00001.
gnomAD v4.1: 33 of 1,608,670 alleles (0.0021%); highest among the groups gnomAD compares: Non-Finnish European, 0.0027%; no homozygotes.

Submissions (2):

Labcorp Genetics (formerly Invitae), Labcorp
Classification: Likely benign for Ehlers-Danlos syndrome, dermatosparaxis type. Last evaluated: 2025-02-27. Review status: criteria provided, single submitter. Criteria: Invitae Variant Classification Sherloc (09022015). Collection method: clinical testing. Allele origin: germline.

GeneDx
Classification: Likely benign. Last evaluated: 2017-07-11. Review status: criteria provided, single submitter. Criteria: GeneDx Variant Classification (06012015). Collection method: clinical testing. Allele origin: germline. Affected: yes.
Comment: This variant is considered likely benign or benign based on one or more of the following criteria: it is a conservative change, it occurs at a poorly conserved position in the protein, it is predicted to be benign by multiple in silico algorithms, and/or has population frequency not consistent with disease.